The following is an entry in ClinVar:

ClinVar aggregate classification (germline): Likely pathogenic. Review status: criteria provided, multiple submitters, no conflicts (2 of 4 stars). 4 submissions from 4 submitters: Likely pathogenic (3). 1 of the submissions does not count toward it. Last evaluated 2026-01-09.

Conditions:
CLN8-related disorder. Also called: CLN8-related condition.
Neuronal ceroid lipofuscinosis. Also called: Neuronal Ceroid Lipofuscinoses. Identifiers: Orphanet 216, Orphanet 79263, MedGen C0027877, MONDO:0016295. Disease mechanism: loss of function.
Neuronal ceroid lipofuscinosis 8 (CLN8). Also called: CLN8-Related Neuronal Ceroid-Lipofuscinosis. Identifiers: Orphanet 168491, Orphanet 228354, Orphanet 79264, MedGen C1838570, MONDO:0010830, OMIM 600143.

Allele frequency attached by ClinVar (database versions not stated): TOPMed below 0.00001; ExAC 0.00001; gnomAD 0.00001.
gnomAD v4.1: 5 of 1,614,118 alleles (0.00031%); highest among the groups gnomAD compares: East Asian, 0.0022%; no homozygotes.

Submissions (4):

Natera, Inc.
Classification: Likely pathogenic for Neuronal ceroid lipofuscinosis 8. Last evaluated: 2026-01-09. Review status: criteria provided, single submitter. Criteria: Natera Variant Classification Schema (03/2026). Collection method: clinical testing. Allele origin: germline.
Comment: The c.611G>A variant in CLN8 is a missense variant predicted to cause substitution of arginine to histidine at amino acid 204. This variant is rare in the general population with a frequency below the threshold expected for the associated phenotype(s). This variant has been observed in one or more individuals affected with the associated recessive disease, as either homozygous or compound heterozygous with a second variant (PMID: 38277958). A different variant at the same position has been determined to be Pathogenic or Likely Pathogenic. Computational prediction algorithms indicate this variant is likely to affect gene or protein function. Given the available evidence, this variant is classified as Likely Pathogenic.

Labcorp Genetics (formerly Invitae), Labcorp
Classification: Likely pathogenic for Neuronal ceroid lipofuscinosis. Last evaluated: 2024-02-13. Review status: criteria provided, single submitter. Criteria: Invitae Variant Classification Sherloc (09022015). Collection method: clinical testing. Allele origin: germline.
Comment: This sequence change replaces arginine, which is basic and polar, with histidine, which is basic and polar, at codon 204 of the CLN8 protein (p.Arg204His). This variant is present in population databases (rs386834134, gnomAD 0.003%). This missense change has been observed in individual(s) with neuronal ceroid lipofuscinosis (PMID: 23374165). ClinVar contains an entry for this variant (Variation ID: 557767). Advanced modeling of protein sequence and biophysical properties (such as structural, functional, and spatial information, amino acid conservation, physicochemical variation, residue mobility, and thermodynamic stability) performed at Invitae indicates that this missense variant is expected to disrupt CLN8 protein function with a positive predictive value of 80%. This variant disrupts the p.Arg204 amino acid residue in CLN8. Other variant(s) that disrupt this residue have been determined to be pathogenic (PMID: 11589000, 15024724). This suggests that this residue is clinically significant, and that variants that disrupt this residue are likely to be disease-causing. In summary, the currently available evidence indicates that the variant is pathogenic, but additional data are needed to prove that conclusively. Therefore, this variant has been classified as Likely Pathogenic.

Blueprint Genetics
Classification: Likely pathogenic for CLN8-related disorders. Last evaluated: 2023-05-24. Review status: criteria provided, single submitter. Criteria: ACMG Guidelines, 2015. Collection method: clinical testing. Allele origin: germline. Affected: yes. Observed: 1 variant allele.

Counsyl
Classification: Uncertain significance for Neuronal ceroid lipofuscinosis 8. Last evaluated: 2018-04-10. Review status: no assertion criteria provided. Collection method: clinical testing. Allele origin: unknown. Not counted in ClinVar's aggregate classification.

Literature cited by the submitters: PubMed 38277958 (cited by Natera, Inc.); PubMed 23374165 (cited by Labcorp Genetics (formerly Invitae), Labcorp and Counsyl); PubMed 11589000 (cited by Labcorp Genetics (formerly Invitae), Labcorp); PubMed 15024724 (cited by Labcorp Genetics (formerly Invitae), Labcorp).

NM_018941.4(CLN8):c.611G>A (p.Arg204His)

Gene: CLN8 (CLN8 transmembrane ER and ERGIC protein; plus strand). Cytogenetic location: 8p23.3.
Variant type: single nucleotide variant.
Coding change: c.611G>A on transcript NM_018941.4 (MANE Select); coding-DNA position 611, G replaced by A.
Protein change: p.Arg204His; replaces arginine 204 with histidine.
Molecular consequence: missense variant.
Genome position (GRCh38, 1-based): chr8:1,780,317, G>A. VCF-style: chr8-1780317-G-A. GRCh37 (hg19) VCF-style: chr8-1728483-G-A.
Other names: short protein forms R204H.
Identifiers: ClinVar variation 557767 (VCV000557767.18), dbSNP rs386834134, ClinGen allele CA4599319.